The following is an entry in ClinVar:

ClinVar aggregate classification (germline): Uncertain significance (1 of 4 stars; one submission).

Submission:

Labcorp Genetics (formerly Invitae), Labcorp
Classification: Uncertain significance. Last evaluated: 2025-03-26. Review status: criteria provided, single submitter. Criteria: Invitae Variant Classification Sherloc (09022015). Collection method: clinical testing. Allele origin: germline.
Comment: This sequence change replaces glutamic acid, which is acidic and polar, with glutamine, which is neutral and polar, at codon 162 of the BACH2 protein (p.Glu162Gln). This variant is present in population databases (no rsID available, gnomAD 0.007%). This variant has not been reported in the literature in individuals affected with BACH2-related conditions. ClinVar contains an entry for this variant (Variation ID: 1474159). An algorithm developed to predict the effect of missense changes on protein structure and function (PolyPhen-2) suggests that this variant is likely to be disruptive. In summary, the available evidence is currently insufficient to determine the role of this variant in disease. Therefore, it has been classified as a Variant of Uncertain Significance.

NM_021813.4(BACH2):c.484G>C (p.Glu162Gln)

Gene: BACH2 (BACH transcriptional regulator 2; minus strand). Cytogenetic location: 6q15.
Variant type: single nucleotide variant.
Coding change: c.484G>C on transcript NM_021813.4 (MANE Select); coding-DNA position 484, G replaced by C.
Protein change: p.Glu162Gln; replaces glutamic acid 162 with glutamine.
Molecular consequence: missense variant.
Genome position (GRCh38, 1-based): chr6:89,951,622, C>G on the plus strand (G>C on the coding strand, the complement: BACH2 is on the minus strand). VCF-style: chr6-89951622-C-G. GRCh37 (hg19) VCF-style: chr6-90661341-C-G.
Other names: c.484G>C, p.Glu162Gln (NM_001170794.2); short protein forms E162Q.
Identifiers: ClinVar variation 1474159 (VCV001474159.8), dbSNP rs774952715, ClinGen allele CA365072920.